The following is an entry in ClinVar:

NM_000081.4(LYST):c.1541G>A (p.Arg514Gln)

Gene: LYST (lysosomal trafficking regulator; minus strand). Cytogenetic location: 1q42.3.
Variant type: single nucleotide variant.
Coding change: c.1541G>A on transcript NM_000081.4 (MANE Select); coding-DNA position 1541, G replaced by A.
Protein change: p.Arg514Gln; replaces arginine 514 with glutamine.
Molecular consequence: missense variant.
Genome position (GRCh38, 1-based): chr1:235,809,277, C>T on the plus strand (G>A on the coding strand, the complement: LYST is on the minus strand). VCF-style: chr1-235809277-C-T. GRCh37 (hg19) VCF-style: chr1-235972577-C-T.
Other names: c.1541G>A, p.Arg514Gln (NM_001301365.1); short protein forms R514Q.
Identifiers: ClinVar variation 806388 (VCV000806388.44), dbSNP rs564745712, ClinGen allele CA1467452.

ClinVar aggregate classification (germline): Uncertain significance. Review status: criteria provided, multiple submitters, no conflicts (2 of 4 stars). 3 submissions from 3 submitters: Uncertain significance (3). Last evaluated 2024-05-22.

Conditions:
Chédiak-Higashi syndrome (CHS). Also called: Chediak-Higashi Syndrome. Identifiers: Orphanet 167, MedGen C0007965, MONDO:0008963, OMIM 214500.

Allele frequency attached by ClinVar (database versions not stated): ExAC 0.00002; gnomAD 0.00003 and 0.00004; gnomAD exomes 0.00003 and 0.00007; TOPMed 0.00004; 1000 Genomes Project 30x 0.00016; 1000 Genomes Project 0.00020.
gnomAD v4.1: 54 of 1,614,020 alleles (0.0033%); highest among the groups gnomAD compares: East Asian, 0.051%; no homozygotes.

Submissions (3):

Blueprint Genetics
Classification: Uncertain significance. Last evaluated: 2024-05-22. Review status: criteria provided, single submitter. Criteria: ACMG Guidelines, 2015. Collection method: clinical testing. Allele origin: germline.

Labcorp Genetics (formerly Invitae), Labcorp
Classification: Uncertain significance for Chédiak-Higashi syndrome. Last evaluated: 2022-07-19. Review status: criteria provided, single submitter. Criteria: Invitae Variant Classification Sherloc (09022015). Collection method: clinical testing. Allele origin: germline.
Comment: This sequence change replaces arginine, which is basic and polar, with glutamine, which is neutral and polar, at codon 514 of the LYST protein (p.Arg514Gln). This variant is present in population databases (rs564745712, gnomAD 0.07%). This variant has not been reported in the literature in individuals affected with LYST-related conditions. ClinVar contains an entry for this variant (Variation ID: 806388). Algorithms developed to predict the effect of missense changes on protein structure and function (SIFT, PolyPhen-2, Align-GVGD) all suggest that this variant is likely to be tolerated. In summary, the available evidence is currently insufficient to determine the role of this variant in disease. Therefore, it has been classified as a Variant of Uncertain Significance.

CeGaT Center for Human Genetics Tuebingen
Classification: Uncertain significance. Last evaluated: 2019-05-01. Review status: criteria provided, single submitter. Criteria: CeGaT Center For Human Genetics Tuebingen Variant Classification Criteria Version 2. Collection method: clinical testing. Allele origin: germline. Affected: yes. Observed: 1 variant allele.